The following is an entry in ClinVar:

ClinVar aggregate classification (germline): Likely benign (1 of 4 stars; one submission).

Submission:

CeGaT Center for Human Genetics Tuebingen
Classification: Likely benign. Last evaluated: 2023-08-01. Review status: criteria provided, single submitter. Criteria: CeGaT Center For Human Genetics Tuebingen Variant Classification Criteria Version 2. Collection method: clinical testing. Allele origin: germline. Affected: yes. Observed: 2 variant alleles.
Comment: MUC2: BP4, BP7

NM_002457.5(MUC2):c.12063C>A (p.Thr4021=)

Gene: MUC2 (mucin 2, oligomeric mucus/gel-forming; plus strand). Cytogenetic location: 11p15.5.
Variant type: single nucleotide variant.
Coding change: c.12063C>A on transcript NM_002457.5 (MANE Select); coding-DNA position 12063, C replaced by A.
Protein change: p.Thr4021=; no amino-acid change (threonine 4021 retained).
Molecular consequence: synonymous variant.
Genome position (GRCh38, 1-based): chr11:1,099,397, C>A. VCF-style: chr11-1099397-C-A. GRCh37 (hg19) VCF-style: chr11-1093305-C-A.
Identifiers: ClinVar variation 2641141 (VCV002641141.24), dbSNP rs62637245, ClinGen allele CA5800051.
Genomic context (GRCh38, chr11:1,099,397, plus strand): 5'-AACACCCACCGGCACACAGACCCCAACATTGACGCCCATCACCACCACCACTACGGTGAC[C>A]CCAACCCCAACACCCACCGGCACACAGACCCCAACCCCGACACCCATCTCCACCACCACT-3'
Protein context (NP_002448.5, residues 4011-4031): STPITTTTTV[Thr4021=]PTPTPTGTQT